The following is an entry in ClinVar:

ClinVar aggregate classification (germline): Likely pathogenic (1 of 4 stars; one submission).

Conditions:
Polycystic lipomembranous osteodysplasia with sclerosing leukoencephalopathy 2. Also called: TREM2-Related Polycystic Lipomembranous Osteodysplasia with Sclerosing Leukoencephalopathy. Identifiers: MedGen C4748657, MONDO:0020750, OMIM 618193.

Submission:

Neuberg Centre For Genomic Medicine, NCGM
Classification: Likely pathogenic for Polycystic lipomembranous osteodysplasia with sclerosing leukoencephalopathy 2. Last evaluated: 2023-06-22. Review status: criteria provided, single submitter. Criteria: ACMG Guidelines, 2015. Collection method: clinical testing. Allele origin: germline. Inheritance: Autosomal recessive inheritance. Affected: yes.
Comment: The splice site c.41-1G>C variant in TREM2 gene has not been reported previously as a pathogenic variant nor as a benign variant, to our knowledge. The variant is absent in gnomAD Exomes. The variant affects AG acceptor splice site upstream to exon 1. Loss of function variants have been previously reported to be disease causing. The Splice AI tool predicts the variant to be damaging. For these reasons, this variant has been classified as Likely Pathogenic.

NM_018965.4(TREM2):c.41-1G>C

Gene: TREM2 (triggering receptor expressed on myeloid cells 2; minus strand). Cytogenetic location: 6p21.1.
Variant type: single nucleotide variant.
Coding change: c.41-1G>C on transcript NM_018965.4 (MANE Select); the canonical splice acceptor site of the intron before coding-DNA position 41, G replaced by C.
Molecular consequence: splice acceptor variant.
Genome position (GRCh38, 1-based): chr6:41,161,614, C>G on the plus strand (G>C on the coding strand, the complement: TREM2 is on the minus strand). VCF-style: chr6-41161614-C-G. GRCh37 (hg19) VCF-style: chr6-41129352-C-G.
Other names: c.41-1G>C (NM_001271821.2).
Identifiers: ClinVar variation 3391393 (VCV003391393.1).